The following is an entry in ClinVar:

NM_001267550.2(TTN):c.21961G>T (p.Glu7321Ter)

Gene: TTN (titin; minus strand). Cytogenetic location: 2q31.2.
Variant type: single nucleotide variant.
Coding change: c.21961G>T on transcript NM_001267550.2 (MANE Select); coding-DNA position 21961, G replaced by T.
Protein change: p.Glu7321Ter; replaces glutamic acid 7321 with a stop codon.
Molecular consequence: nonsense. On other transcripts: intron variant (3).
Genome position (GRCh38, 1-based): chr2:178,723,046, C>A on the plus strand (G>T on the coding strand, the complement: TTN is on the minus strand). VCF-style: chr2-178723046-C-A. GRCh37 (hg19) VCF-style: chr2-179587773-C-A.
Other names: c.21010G>T, p.Glu7004Ter (NM_001256850.1); c.18229G>T, p.Glu6077Ter (NM_133378.4); c.13282+15036G>T (NM_003319.4); c.13858+15036G>T (NM_133437.4); c.13657+15036G>T (NM_133432.3); short protein forms E6077*, E7004*, E7321*.
Identifiers: ClinVar variation 2953475 (VCV002953475.3), dbSNP rs2078691261, ClinGen allele CA349530028.

ClinVar aggregate classification (germline): Likely pathogenic (1 of 4 stars; one submission).

Conditions:
Autosomal recessive limb-girdle muscular dystrophy type 2J (LGMDR10). Also called: Limb-girdle muscular dystrophy, type 2J; MUSCULAR DYSTROPHY, LIMB-GIRDLE, AUTOSOMAL RECESSIVE 10. Identifiers: Orphanet 140922, MedGen C1837342, MONDO:0012127, OMIM 608807.
Dilated cardiomyopathy 1G (CMD1G). Identifiers: Orphanet 154, MedGen C1858763, MONDO:0011400, OMIM 604145.

Submission:

Labcorp Genetics (formerly Invitae), Labcorp
Classification: Likely pathogenic for Dilated cardiomyopathy 1G; Autosomal recessive limb-girdle muscular dystrophy type 2J. Last evaluated: 2023-11-02. Review status: criteria provided, single submitter. Criteria: Invitae Variant Classification Sherloc (09022015). Collection method: clinical testing. Allele origin: germline.
Comment: This sequence change creates a premature translational stop signal (p.Glu7321*) in the TTN gene. While this is not anticipated to result in nonsense mediated decay, it is expected to create a truncated TTN protein. This variant is not present in population databases (gnomAD no frequency). This variant has not been reported in the literature in individuals affected with TTN-related conditions. Algorithms developed to predict the effect of sequence changes on RNA splicing suggest that this variant may disrupt the consensus splice site. This variant is located in the I band of TTN (PMID: 25589632). Truncating variants in this region have been reported in individuals affected with autosomal recessive centronuclear myopathy (PMID: 23975875). Truncating variants in this region have also been identified in individuals affected with autosomal dominant dilated cardiomyopathy and/or cardio-related conditions (PMID: 27869827, 32964742). In summary, the currently available evidence indicates that the variant is pathogenic, but additional data are needed to prove that conclusively. Therefore, this variant has been classified as Likely Pathogenic.

Literature cited by the submitters: PubMed 25589632; PubMed 23975875; PubMed 27869827; PubMed 32964742.